The following is an entry in ClinVar:

NM_032634.4(PIGO):c.246C>T (p.Phe82=)

Gene: PIGO (phosphatidylinositol glycan anchor biosynthesis class O; minus strand). Cytogenetic location: 9p13.3.
Variant type: single nucleotide variant.
Coding change: c.246C>T on transcript NM_032634.4 (MANE Select); coding-DNA position 246, C replaced by T.
Protein change: p.Phe82=; no amino-acid change (phenylalanine 82 retained).
Molecular consequence: synonymous variant.
Genome position (GRCh38, 1-based): chr9:35,095,320, G>A on the plus strand (C>T on the coding strand, the complement: PIGO is on the minus strand). VCF-style: chr9-35095320-G-A. GRCh37 (hg19) VCF-style: chr9-35095317-G-A.
Other names: c.246C>T (NM_032634.3); c.246C>T, p.Phe82= (NM_001201484.2, NM_152850.4).
Identifiers: ClinVar variation 1096416 (VCV001096416.11), dbSNP rs748671184, ClinGen allele CA5040987.

ClinVar aggregate classification (germline): Likely benign. Review status: criteria provided, single submitter (1 of 4 stars). 2 submissions from 2 submitters: Likely benign (1). 1 of the submissions does not count toward it. Last evaluated 2023-05-12.

Conditions:
PIGO-related disorder. Also called: PIGO-related condition.
Hyperphosphatasia with impaired intellectual development syndrome 2. Also called: Hyperphosphatasia with intellectual disability syndrome 2; GLYCOSYLPHOSPHATIDYLINOSITOL BIOSYNTHESIS DEFECT 6. Identifiers: Orphanet 247262, MedGen C3553637, MONDO:0013882, OMIM 614749.

Allele frequency attached by ClinVar (database versions not stated): gnomAD exomes below 0.00001 and 0.00001; ExAC 0.00001.

Submissions (2):

Labcorp Genetics (formerly Invitae), Labcorp
Classification: Likely benign for Hyperphosphatasia with impaired intellectual development syndrome 2. Last evaluated: 2023-05-12. Review status: criteria provided, single submitter. Criteria: Invitae Variant Classification Sherloc (09022015). Collection method: clinical testing. Allele origin: germline.

PreventionGenetics, part of Exact Sciences
Classification: Likely benign for PIGO-related condition. Last evaluated: 2019-06-21. Review status: no assertion criteria provided. Collection method: clinical testing. Allele origin: germline. Not counted in ClinVar's aggregate classification.
Comment: This variant is classified as likely benign based on ACMG/AMP sequence variant interpretation guidelines (Richards et al. 2015 PMID: 25741868, with internal and published modifications).